The following is an entry in ClinVar:

NM_005477.3(HCN4):c.2587G>A (p.Ala863Thr)

Gene: HCN4 (hyperpolarization activated cyclic nucleotide gated potassium channel 4; minus strand). Cytogenetic location: 15q24.1.
Variant type: single nucleotide variant.
Coding change: c.2587G>A on transcript NM_005477.3 (MANE Select); coding-DNA position 2587, G replaced by A.
Protein change: p.Ala863Thr; replaces alanine 863 with threonine.
Molecular consequence: missense variant.
Genome position (GRCh38, 1-based): chr15:73,323,506, C>T on the plus strand (G>A on the coding strand, the complement: HCN4 is on the minus strand). VCF-style: chr15-73323506-C-T. GRCh37 (hg19) VCF-style: chr15-73615847-C-T.
Other names: short protein forms A863T.
Identifiers: ClinVar variation 426330 (VCV000426330.4), dbSNP rs767354516, ClinGen allele CA7648996.

ClinVar aggregate classification (germline): Uncertain significance. Review status: criteria provided, multiple submitters, no conflicts (2 of 4 stars). 2 submissions from 2 submitters: Uncertain significance (2). Last evaluated 2026-05-28.

Conditions:
Cardiovascular phenotype. Identifiers: MedGen CN230736.

Allele frequency attached by ClinVar (database versions not stated): ExAC 0.00001; gnomAD 0.00001; gnomAD exomes 0.00001 and 0.00002; TOPMed 0.00002.
gnomAD v4.1: 8 of 1,602,314 alleles (0.0005%); highest among the groups gnomAD compares: Admixed American, 0.0067%; no homozygotes.

Submissions (2):

Ambry Genetics
Classification: Uncertain significance for Cardiovascular phenotype. Last evaluated: 2026-05-28. Review status: criteria provided, single submitter. Criteria: Ambry Variant Classification Scheme 2023. Collection method: clinical testing. Allele origin: germline.
Comment: The p.A863T variant (also known as c.2587G>A), located in coding exon 8 of the HCN4 gene, results from a G to A substitution at nucleotide position 2587. The alanine at codon 863 is replaced by threonine, an amino acid with similar properties. This amino acid position is conserved. In addition, this alteration is predicted to be tolerated by in silico analysis. Based on the available evidence, the clinical significance of this variant remains unclear.

GeneDx
Classification: Uncertain significance. Last evaluated: 2018-09-04. Review status: criteria provided, single submitter. Criteria: GeneDx Variant Classification (06012015). Collection method: clinical testing. Allele origin: germline. Affected: yes.
Comment: The A863T variant has not been publishedas pathogenic or been reported as benign to our knowledge. It is not observed in large population cohorts (Lek et al.,2016; 1000 Genomes Consortium et al., 2015; Exome Variant Server). The A863T variant is a non-conservativeamino acid substitution, which is likely to impact secondary protein structure as these residues differ in polarity,charge, size and/or other properties. In addition, this substitution occurs at a position that is conserved throughmammals. However, two of three in silico models predict this variant likely does not alter the proteinstructure/function.